The following is an entry in ClinVar:

NM_000465.4(BARD1):c.1396-2A>C

Gene: BARD1 (BRCA1 associated RING domain 1; minus strand). Cytogenetic location: 2q35.
Variant type: single nucleotide variant.
Coding change: c.1396-2A>C on transcript NM_000465.4 (MANE Select); the canonical splice acceptor site of the intron before coding-DNA position 1396, A replaced by C.
Molecular consequence: splice acceptor variant. On other transcripts: intron variant (3).
Genome position (GRCh38, 1-based): chr2:214,767,656, T>G on the plus strand (A>C on the coding strand, the complement: BARD1 is on the minus strand). VCF-style: chr2-214767656-T-G. GRCh37 (hg19) VCF-style: chr2-215632380-T-G.
Other names: c.159-15101A>C (NM_001282548.2); c.1339-2A>C (NM_001282543.2); c.216-15101A>C (NM_001282545.2); c.364+24641A>C (NM_001282549.2).
Identifiers: ClinVar variation 2583335 (VCV002583335.4), dbSNP rs2469444923, ClinGen allele CA350448984.
Genomic context (GRCh38, chr2:214,767,656, plus strand): 5'-GCCTTATGCTGGAGCAATAATTCCACTACCTTCAGGTGCCCATGATTGCAAGCTTCATGC[T>G]AATTAAATTTTTTGAAAAAGAAGTGAAAGAAGTGATAAGAAAGAGCAATGGATGATATTA-3'

ClinVar aggregate classification (germline): Likely pathogenic. Review status: criteria provided, multiple submitters, no conflicts (2 of 4 stars). 2 submissions from 2 submitters: Likely pathogenic (2). Last evaluated 2025-11-03.

Conditions:
Familial cancer of breast. Also called: Hereditary breast cancer; BREAST CANCER, FAMILIAL; hereditary breast carcinoma. Identifiers: Orphanet 227535, MedGen C0346153, MONDO:0016419, OMIM 114480. Disease mechanism: loss of function.

Submissions (2):

Labcorp Genetics (formerly Invitae), Labcorp
Classification: Likely pathogenic for Familial cancer of breast. Last evaluated: 2025-11-03. Review status: criteria provided, single submitter. Criteria: Invitae Variant Classification Sherloc (09022015). Collection method: clinical testing. Allele origin: germline.
Comment: This sequence change affects an acceptor splice site in intron 5 of the BARD1 gene. RNA analysis indicates that disruption of this splice site induces altered splicing and may result in an absent or altered protein product. This variant is not present in population databases (gnomAD no frequency). This variant has not been reported in the literature in individuals affected with BARD1-related conditions. ClinVar contains an entry for this variant (Variation ID: 2583335). Studies have shown that disruption of this splice site results in activation of a cryptic splice site, and produces a non-functional protein and/or introduces a premature termination codon (internal data). In summary, the currently available evidence indicates that the variant is pathogenic, but additional data are needed to prove that conclusively. Therefore, this variant has been classified as Likely Pathogenic.

Myriad Genetics, Inc.
Classification: Likely pathogenic for Familial cancer of breast. Last evaluated: 2023-05-23. Review status: criteria provided, single submitter. Criteria: Myriad Autosomal Dominant, Autosomal Recessive and X-Linked Classification Criteria (2023). Collection method: clinical testing. Allele origin: unknown.
Comment: This variant is considered likely pathogenic. This variant occurs within a consensus splice junction and is predicted to result in abnormal mRNA splicing of either an out-of-frame exon or an in-frame exon necessary for protein stability and/or normal function.